The following is an entry in ClinVar:

NM_004667.6(HERC2):c.13374C>G (p.Ser4458Arg)

Gene: HERC2 (HECT and RLD domain containing E3 ubiquitin protein ligase 2; minus strand). Cytogenetic location: 15q13.1.
Variant type: single nucleotide variant.
Coding change: c.13374C>G on transcript NM_004667.6 (MANE Select); coding-DNA position 13374, C replaced by G.
Protein change: p.Ser4458Arg; replaces serine 4458 with arginine.
Molecular consequence: missense variant.
Genome position (GRCh38, 1-based): chr15:28,117,053, G>C on the plus strand (C>G on the coding strand, the complement: HERC2 is on the minus strand). VCF-style: chr15-28117053-G-C. GRCh37 (hg19) VCF-style: chr15-28362199-G-C.
Other names: short protein forms S4458R.
Identifiers: ClinVar variation 1028799 (VCV001028799.1), dbSNP rs1328574737, ClinGen allele CA391371729.

ClinVar aggregate classification (germline): Uncertain significance (1 of 4 stars; one submission).

Conditions:
Developmental delay with autism spectrum disorder and gait instability (MRT38). Also called: Intellectual developmental disorder, autosomal recessive 38. Identifiers: Orphanet 329195, MedGen C3809753, MONDO:0014224, OMIM 615516.

Submission:

Baylor Genetics
Classification: Uncertain significance for Developmental delay with autism spectrum disorder and gait instability. Last evaluated: 2020-02-28. Review status: criteria provided, single submitter. Criteria: ACMG Guidelines, 2015. Collection method: clinical testing. Allele origin: unknown. Affected: yes.
Comment: This variant was determined to be of uncertain significance according to ACMG Guidelines, 2015 [PMID:25741868].